The following is an entry in ClinVar:

ClinVar aggregate classification (germline): Uncertain significance (1 of 4 stars; one submission).

Conditions:
Inborn genetic diseases. Identifiers: MedGen C0950123, MeSH D030342.

Submission:

Ambry Genetics
Classification: Uncertain significance for Inborn genetic diseases. Last evaluated: 2026-06-01. Review status: criteria provided, single submitter. Criteria: Ambry Variant Classification Scheme 2023. Collection method: clinical testing. Allele origin: germline.
Comment: The p.L542F variant (also known as c.1624C>T), located in coding exon 12 of the ASXL1 gene, results from a C to T substitution at nucleotide position 1624. The leucine at codon 542 is replaced by phenylalanine, an amino acid with highly similar properties. This amino acid position is conserved. In addition, this alteration is predicted to be tolerated by in silico analysis. Based on the available evidence, the clinical significance of this variant remains unclear.

NM_015338.6(ASXL1):c.1624C>T (p.Leu542Phe)

Gene: ASXL1 (ASXL transcriptional regulator 1; plus strand). Cytogenetic location: 20q11.21.
Variant type: single nucleotide variant.
Coding change: c.1624C>T on transcript NM_015338.6 (MANE Select); coding-DNA position 1624, C replaced by T.
Protein change: p.Leu542Phe; replaces leucine 542 with phenylalanine.
Molecular consequence: missense variant.
Genome position (GRCh38, 1-based): chr20:32,433,822, C>T. VCF-style: chr20-32433822-C-T. GRCh37 (hg19) VCF-style: chr20-31021625-C-T.
Other names: c.1441C>T, p.Leu481Phe (NM_001363734.1); short protein forms L481F, L542F.
Identifiers: ClinVar variation 4864895 (VCV004864895.1).